The following is an entry in ClinVar:

NM_000888.5(ITGB6):c.346+4T>C

Gene: ITGB6 (integrin subunit beta 6; minus strand). Cytogenetic location: 2q24.2.
Variant type: single nucleotide variant.
Coding change: c.346+4T>C on transcript NM_000888.5 (MANE Select); 4 bases into the intron after coding-DNA position 346, T replaced by C.
Molecular consequence: intron variant.
Genome position (GRCh38, 1-based): chr2:160,196,212, A>G on the plus strand (T>C on the coding strand, the complement: ITGB6 is on the minus strand). VCF-style: chr2-160196212-A-G. GRCh37 (hg19) VCF-style: chr2-161052723-A-G.
Other names: c.346+4T>C (NM_001282353.2, NM_001282355.2); c.62-597T>C (NM_001282354.2); c.-69+177T>C (NM_001282390.2); c.220+4T>C (NM_001282388.2); c.127+177T>C (NM_001282389.2).
Identifiers: ClinVar variation 3044608 (VCV003044608.2), dbSNP rs201573869, ClinGen allele CA1929548.
Genomic context (GRCh38, chr2:160,196,212, plus strand): 5'-GCAAGGTAGCAGAATTACCATATATGACATTAGATCTATTTACATGAGCCAAATCCTAAC[A>G]TACCTGGTCTCAACTTAAGGATCAAGCTTTGAGGCGCAATCTGAACAATGTCAGAACTAT-3'

ClinVar aggregate classification (germline): Likely benign (0 of 4 stars; one submission).

Conditions:
ITGB6-related disorder. Also called: ITGB6-related condition.

Allele frequency attached by ClinVar (database versions not stated): gnomAD exomes 0.00006; ExAC 0.00007; gnomAD 0.00007; TOPMed 0.00009.
gnomAD v4.1: 97 of 1,613,120 alleles (0.006%); highest among the groups gnomAD compares: Admixed American, 0.057%; no homozygotes.

Submission:

PreventionGenetics, part of Exact Sciences
Classification: Likely benign for ITGB6-related condition. Last evaluated: 2019-06-10. Review status: no assertion criteria provided. Collection method: clinical testing. Allele origin: germline.
Comment: This variant is classified as likely benign based on ACMG/AMP sequence variant interpretation guidelines (Richards et al. 2015 PMID: 25741868, with internal and published modifications).